The following is an entry in ClinVar:

ClinVar aggregate classification (germline): Uncertain significance (1 of 4 stars; one submission).

Submission:

Labcorp Genetics (formerly Invitae), Labcorp
Classification: Uncertain significance. Last evaluated: 2018-04-11. Review status: criteria provided, single submitter. Criteria: Invitae Variant Classification Sherloc (09022015). Collection method: clinical testing. Allele origin: germline.
Comment: This variant has not been reported in the literature in individuals with A2ML1-related disease. This variant is not present in population databases (ExAC no frequency). This sequence change replaces asparagine with lysine at codon 409 of the A2ML1 protein (p.Asn409Lys). The asparagine residue is moderately conserved and there is a moderate physicochemical difference between asparagine and lysine. Algorithms developed to predict the effect of missense changes on protein structure and function (SIFT, PolyPhen-2, Align-GVGD) all suggest that this variant is likely to be tolerated, but these predictions have not been confirmed by published functional studies and their clinical significance is uncertain. In summary, the available evidence is currently insufficient to determine the role of this variant in disease. Therefore, it has been classified as a Variant of Uncertain Significance.

NM_144670.6(A2ML1):c.1227T>A (p.Asn409Lys)

Gene: A2ML1 (alpha-2-macroglobulin like 1; plus strand). Cytogenetic location: 12p13.31.
Variant type: single nucleotide variant.
Coding change: c.1227T>A on transcript NM_144670.6 (MANE Select); coding-DNA position 1227, T replaced by A.
Protein change: p.Asn409Lys; replaces asparagine 409 with lysine.
Molecular consequence: missense variant.
Genome position (GRCh38, 1-based): chr12:8,841,515, T>A. VCF-style: chr12-8841515-T-A. GRCh37 (hg19) VCF-style: chr12-8994111-T-A.
Other names: short protein forms N409K.
Identifiers: ClinVar variation 1008086 (VCV001008086.9), dbSNP rs1943480079, ClinGen allele CA383824767.